The following is an entry in ClinVar:

ClinVar aggregate classification (germline): Uncertain significance. Review status: criteria provided, multiple submitters, no conflicts (2 of 4 stars). 9 submissions from 9 submitters: Uncertain significance (9). Last evaluated 2026-03-24.

Conditions:
NTHL1-related disorder. Also called: NTHL1-related condition; NTHL1-related conditions.
Familial adenomatous polyposis 3. Also called: NTHL1-Related Adenomatous Polyposis and Colorectal Cancer; NTHL1-associated polyposis; NTHL1-related attenuated familial adenomatous polyposis; NTHL1 Tumor Syndrome. Identifiers: Orphanet 220460, Orphanet 454840, MedGen C4225157, MONDO:0014630, OMIM 616415.
Hereditary cancer-predisposing syndrome. Also called: Tumor predisposition; Hereditary neoplastic syndrome; Hereditary Cancer Syndrome; Neoplastic Syndromes, Hereditary. Identifiers: Orphanet 140162, MedGen C0027672, MeSH D009386, MONDO:0015356.

Allele frequency attached by ClinVar (database versions not stated): ExAC 0.00005; gnomAD 0.00005 and 0.00006; TOPMed 0.00008.

Submissions (9):

PreventionGenetics, part of Exact Sciences
Classification: Uncertain significance for NTHL1-related condition. Last evaluated: 2026-03-24. Review status: criteria provided, single submitter. Criteria: ACMG Guidelines, 2015. Collection method: clinical testing. Allele origin: germline.
Comment: The NTHL1 c.787C>T variant is predicted to result in the amino acid substitution p.Arg263Cys. This variant was identified in a large study of germline NTHL1 variants and breast cancer predisposition (Supplementary Material, Li et al. 2021. PubMed ID: 33980861). This variant is reported in 0.012% of alleles in individuals of European (Non-Finnish) descent in gnomAD and is interpreted as uncertain in ClinVar (Variation ID: 657672). At this time, the clinical significance of this variant is uncertain due to the absence of conclusive functional and genetic evidence.

Labcorp Genetics (formerly Invitae), Labcorp
Classification: Uncertain significance. Last evaluated: 2026-01-11. Review status: criteria provided, single submitter. Criteria: Invitae Variant Classification Sherloc (09022015). Collection method: clinical testing. Allele origin: germline.
Comment: This sequence change replaces arginine, which is basic and polar, with cysteine, which is neutral and slightly polar, at codon 263 of the NTHL1 protein (p.Arg263Cys). This variant is present in population databases (rs779992803, gnomAD 0.01%). This variant has not been reported in the literature in individuals affected with NTHL1-related conditions. ClinVar contains an entry for this variant (Variation ID: 657672). An algorithm developed to predict the effect of missense changes on protein structure and function (PolyPhen-2) suggests that this variant is likely to be disruptive. In summary, the available evidence is currently insufficient to determine the role of this variant in disease. Therefore, it has been classified as a Variant of Uncertain Significance.

Center for Genomic Medicine, Rigshospitalet, Copenhagen University Hospital
Classification: Uncertain significance. Last evaluated: 2025-12-29. Review status: criteria provided, single submitter. Criteria: ACMG Guidelines, 2015. Collection method: clinical testing. Allele origin: germline.

Ambry Genetics
Classification: Uncertain significance for Hereditary cancer-predisposing syndrome. Last evaluated: 2025-11-17. Review status: criteria provided, single submitter. Criteria: Ambry Variant Classification Scheme 2023. Collection method: clinical testing. Allele origin: germline.
Comment: The p.R263C variant (also known as c.787C>T), located in coding exon 5 of the NTHL1 gene, results from a C to T substitution at nucleotide position 787. The arginine at codon 263 is replaced by cysteine, an amino acid with highly dissimilar properties. This amino acid position is highly conserved in available vertebrate species. In addition, the in silico prediction for this alteration is inconclusive. Based on the available evidence, the clinical significance of this variant remains unclear.

Quest Diagnostics Nichols Institute San Juan Capistrano
Classification: Uncertain significance. Last evaluated: 2025-11-08. Review status: criteria provided, single submitter. Criteria: Quest Diagnostics criteria. Collection method: clinical testing. Allele origin: unknown.
Comment: The NTHL1 c.787C>T (p.Arg263Cys) variant has been reported in the published literature in an individual with breast cancer (PMID: 33980861 (2021)). The frequency of this variant in the general population (Genome Aggregation Database) is uninformative in the assessment of its pathogenicity. Analysis of this variant using bioinformatics tools for the prediction of the effect of amino acid changes on protein structure and function yielded conflicting predictions that this variant is benign or damaging. Based on the available information, we are unable to determine the clinical significance of this variant.

GeneDx
Classification: Uncertain significance. Last evaluated: 2024-09-01. Review status: criteria provided, single submitter. Criteria: GeneDx Variant Classification Process June 2021. Collection method: clinical testing. Allele origin: germline. Affected: yes.
Comment: Observed in an individual with breast cancer (PMID: 33980861); Not observed at significant frequency in large population cohorts (gnomAD); In silico analysis supports that this missense variant has a deleterious effect on protein structure/function; This variant is associated with the following publications: (PMID: 29641532, 33980861)

St. Jude Molecular Pathology, St. Jude Children's Research Hospital
Classification: Uncertain significance for Familial adenomatous polyposis 3. Last evaluated: 2024-07-26. Review status: criteria provided, single submitter. Criteria: St. Jude Assertion Criteria 2020. Collection method: clinical testing. Allele origin: germline.
Comment: The NTHL1 c.763C>T (p.Arg255Cys) missense change has a maximum subpopulation frequency of 0.011% in gnomAD v2.1.1. The in silico tool REVEL is inconclusive about a pathogenic or benign effect of this variant on protein function, and to our knowledge functional studies have not been performed. To our knowledge, this variant has not been reported in individuals with NTHL1-associated polyposis. In summary, the evidence currently available is insufficient to determine the clinical significance of this variant. It has therefore been classified as of uncertain significance.

Baylor Genetics
Classification: Uncertain significance for Familial adenomatous polyposis 3. Last evaluated: 2024-03-27. Review status: criteria provided, single submitter. Criteria: ACMG Guidelines, 2015. Collection method: clinical testing. Allele origin: unknown.

Sema4
Classification: Uncertain significance for Hereditary cancer-predisposing syndrome. Last evaluated: 2022-02-02. Review status: criteria provided, single submitter. Criteria: Sema4 Curation Guidelines. Collection method: curation. Allele origin: germline.
Comment: The NTHL1 c.787C>T (p.R263C) variant has been reported in heterozygosity in at least 1 individual with breast cancer (PMID: 33980861). It has been also reported in 1/4786 healthy individuals (PMID: 33980861). It was observed in 15/128982 chromosomes of the Non-Finnish European (NFE) subpopulation in the large and broad cohorts of the Genome Aggregation Database (PMID: 32461654). This variant has been reported in ClinVar (Variation ID 657672). Functional studies have not been performed, and in silico predictions of the variant's effect on protein function are inconclusive. The evidence is insufficient to meet ACMG/AMP criteria for classifying the variant as benign or pathogenic. Thus, the clinical significance of this variant is currently uncertain.

Literature cited by the submitters: PubMed 33980861 (cited by Quest Diagnostics Nichols Institute San Juan Capistrano and Sema4).

NM_002528.7(NTHL1):c.763C>T (p.Arg255Cys)

Gene: NTHL1 (nth like DNA glycosylase 1; minus strand). Cytogenetic location: 16p13.3.
Variant type: single nucleotide variant.
Coding change: c.763C>T on transcript NM_002528.7 (MANE Select); coding-DNA position 763, C replaced by T.
Protein change: p.Arg255Cys; replaces arginine 255 with cysteine.
Molecular consequence: missense variant.
Genome position (GRCh38, 1-based): chr16:2,040,161, G>A on the plus strand (C>T on the coding strand, the complement: NTHL1 is on the minus strand). VCF-style: chr16-2040161-G-A. GRCh37 (hg19) VCF-style: chr16-2090162-G-A.
Other names: c.763C>T, p.Arg255Cys (LRG_1366t1); c.592C>T, p.Arg198Cys (NM_001318193.2); c.433C>T, p.Arg145Cys (NM_001318194.2); short protein forms R198C, R255C, R145C.
Identifiers: ClinVar variation 657672 (VCV000657672.29), dbSNP rs779992803, ClinGen allele CA7828125.
Genomic context (GRCh38, chr16:2,040,161, plus strand): 5'-TTCTCCCTAGGAAGCCCCCCACATACTCATACCTAGGCAGCCACTCCTCCAGGGCGGCGC[G>A]GGTCTCCTCTGGGGACTTGGTTGCCTTCTTGGTCCACCTCAGCCTGTTGGCGATTCTGTG-3'
Protein context (NP_002519.2, residues 245-265): KKATKSPEET[Arg255Cys]AALEEWLPRE